The following is an entry in ClinVar:

NM_000217.3(KCNA1):c.352A>G (p.Lys118Glu)

Gene: KCNA1 (potassium voltage-gated channel subfamily A member 1; plus strand). Cytogenetic location: 12p13.32.
Variant type: single nucleotide variant.
Coding change: c.352A>G on transcript NM_000217.3 (MANE Select); coding-DNA position 352, A replaced by G.
Protein change: p.Lys118Glu; replaces lysine 118 with glutamic acid.
Molecular consequence: missense variant.
Genome position (GRCh38, 1-based): chr12:4,911,730, A>G. VCF-style: chr12-4911730-A-G. GRCh37 (hg19) VCF-style: chr12-5020896-A-G.
Other names: short protein forms K118E.
Identifiers: ClinVar variation 2728371 (VCV002728371.4), dbSNP rs755315825, ClinGen allele CA6399371.

ClinVar aggregate classification (germline): Uncertain significance. Review status: criteria provided, multiple submitters, no conflicts (2 of 4 stars). 2 submissions from 2 submitters: Uncertain significance (2). Last evaluated 2024-08-20.

Conditions:
Episodic ataxia type 1 (EA1). Also called: ATAXIA, EPISODIC, WITH MYOKYMIA; MYOKYMIA WITH PERIODIC ATAXIA; PAROXYSMAL ATAXIA WITH NEUROMYOTONIA, HEREDITARY; Episodic ataxia/myokymia syndrome. Identifiers: Orphanet 37612, Orphanet 972, MedGen C1719788, MONDO:0008047, OMIM 160120.

Allele frequency attached by ClinVar (database versions not stated): TOPMed below 0.00001; ExAC 0.00001; gnomAD 0.00001; gnomAD exomes 0.00001.

Submissions (2):

Labcorp Genetics (formerly Invitae), Labcorp
Classification: Uncertain significance for Episodic ataxia type 1. Last evaluated: 2024-08-20. Review status: criteria provided, single submitter. Criteria: Invitae Variant Classification Sherloc (09022015). Collection method: clinical testing. Allele origin: germline.
Comment: This sequence change replaces lysine, which is basic and polar, with glutamic acid, which is acidic and polar, at codon 118 of the KCNA1 protein (p.Lys118Glu). The frequency data for this variant in the population databases is considered unreliable, as metrics indicate poor data quality at this position in the gnomAD database. This variant has not been reported in the literature in individuals affected with KCNA1-related conditions. Invitae Evidence Modeling of protein sequence and biophysical properties (such as structural, functional, and spatial information, amino acid conservation, physicochemical variation, residue mobility, and thermodynamic stability) indicates that this missense variant is not expected to disrupt KCNA1 protein function with a negative predictive value of 80%. In summary, the available evidence is currently insufficient to determine the role of this variant in disease. Therefore, it has been classified as a Variant of Uncertain Significance.

Fulgent Genetics
Classification: Uncertain significance for Episodic ataxia type 1. Last evaluated: 2024-04-01. Review status: criteria provided, single submitter. Criteria: ACMG Guidelines, 2015. Collection method: clinical testing. Allele origin: germline.